The following is an entry in ClinVar:

NM_001164277.2(SLC37A4):c.170C>T (p.Ser57Leu)

Gene: SLC37A4 (solute carrier family 37 member 4; minus strand). Cytogenetic location: 11q23.3.
Variant type: single nucleotide variant.
Coding change: c.170C>T on transcript NM_001164277.2 (MANE Select); coding-DNA position 170, C replaced by T.
Protein change: p.Ser57Leu; replaces serine 57 with leucine.
Molecular consequence: missense variant. On other transcripts: 5 prime UTR variant (1).
Genome position (GRCh38, 1-based): chr11:119,028,405, G>A on the plus strand (C>T on the coding strand, the complement: SLC37A4 is on the minus strand). VCF-style: chr11-119028405-G-A. GRCh37 (hg19) VCF-style: chr11-118899115-G-A.
Other names: c.170C>T, p.Ser57Leu (NM_001164278.2, NM_001164280.2, NM_001467.6); c.-50C>T (NM_001164279.2); short protein forms S57L.
Identifiers: ClinVar variation 3730320 (VCV003730320.2).

ClinVar aggregate classification (germline): Uncertain significance (1 of 4 stars; one submission).

Conditions:
Glucose-6-phosphate transport defect (GSD1B). Also called: Glycogen Storage Disease Type Ib; GSD Ib. Identifiers: Orphanet 364, Orphanet 79259, MedGen C0268146, MONDO:0009288, OMIM 232220.

Submission:

Labcorp Genetics (formerly Invitae), Labcorp
Classification: Uncertain significance for Glucose-6-phosphate transport defect. Last evaluated: 2025-06-12. Review status: criteria provided, single submitter. Criteria: Invitae Variant Classification Sherloc (09022015). Collection method: clinical testing. Allele origin: germline.
Comment: This sequence change replaces serine, which is neutral and polar, with leucine, which is neutral and non-polar, at codon 57 of the SLC37A4 protein (p.Ser57Leu). The frequency data for this variant in the population databases is considered unreliable, as metrics indicate poor data quality at this position in the gnomAD database. This variant has not been reported in the literature in individuals affected with SLC37A4-related conditions. ClinVar contains an entry for this variant (Variation ID: 3730320). Invitae Evidence Modeling of protein sequence and biophysical properties (such as structural, functional, and spatial information, amino acid conservation, physicochemical variation, residue mobility, and thermodynamic stability) indicates that this missense variant is not expected to disrupt SLC37A4 protein function with a negative predictive value of 80%. In summary, the available evidence is currently insufficient to determine the role of this variant in disease. Therefore, it has been classified as a Variant of Uncertain Significance.